The following is an entry in ClinVar:

NM_003482.4(KMT2D):c.9405C>T (p.Thr3135=)

Gene: KMT2D (lysine methyltransferase 2D; minus strand). Cytogenetic location: 12q13.12.
Variant type: single nucleotide variant.
Coding change: c.9405C>T on transcript NM_003482.4 (MANE Select); coding-DNA position 9405, C replaced by T.
Protein change: p.Thr3135=; no amino-acid change (threonine 3135 retained).
Molecular consequence: synonymous variant.
Genome position (GRCh38, 1-based): chr12:49,037,951, G>A on the plus strand (C>T on the coding strand, the complement: KMT2D is on the minus strand). VCF-style: chr12-49037951-G-A. GRCh37 (hg19) VCF-style: chr12-49431734-G-A.
Other names: c.9405C>T (NM_003482.3).
Identifiers: ClinVar variation 1636255 (VCV001636255.10), dbSNP rs376141976, ClinGen allele CA6546698.
Genomic context (GRCh38, chr12:49,037,951, plus strand): 5'-CTTTAGCCCCAGGCCAAGGGAATTGGCAGCAGGTGCGGGCTCTACCTTGGGGGTAGCAAT[G>A]GTGAATTGGCAAGGAGAAGGGTGGCGTCCACCCTCCTCCACCTTGGGCTTCACCTCAGGG-3'
Protein context (NP_003473.3, residues 3125-3145): GGRHPSPCQF[Thr3135=]IATPKVEPAP

ClinVar aggregate classification (germline): Likely benign. Review status: criteria provided, multiple submitters, no conflicts (2 of 4 stars). 3 submissions from 3 submitters: Likely benign (3). Last evaluated 2026-08-04.

Conditions:
KMT2D-related disorder. Also called: KMT2D-Related Disorders.
Kabuki syndrome. Also called: NIIKAWA-KUROKI SYNDROME; Kabuki make-up syndrome. Identifiers: Orphanet 2322, MedGen C0796004, MONDO:0016512.

Allele frequency attached by ClinVar (database versions not stated): ExAC 0.00006; ESP Exome Variant Server 0.00008; gnomAD 0.00016 and 0.00018; TOPMed 0.00019; 1000 Genomes Project 30x 0.00047; 1000 Genomes Project 0.00060.
gnomAD v4.1: 56 of 1,603,990 alleles (0.0035%); highest among the groups gnomAD compares: African/African-American, 0.068%; no homozygotes.

Submissions (3):

PreventionGenetics, part of Exact Sciences
Classification: Likely benign for KMT2D-related condition. Last evaluated: 2026-08-04. Review status: criteria provided, single submitter. Criteria: ACMG Guidelines, 2015. Collection method: clinical testing. Allele origin: germline.
Comment: This variant is classified as likely benign based on ACMG/AMP sequence variant interpretation guidelines (Richards et al. 2015 PMID: 25741868, with internal and published modifications).

Labcorp Genetics (formerly Invitae), Labcorp
Classification: Likely benign for Kabuki syndrome. Last evaluated: 2025-12-02. Review status: criteria provided, single submitter. Criteria: Invitae Variant Classification Sherloc (09022015). Collection method: clinical testing. Allele origin: germline.

Blueprint Genetics
Classification: Likely benign. Last evaluated: 2024-08-23. Review status: criteria provided, single submitter. Criteria: ACMG Guidelines, 2015. Collection method: clinical testing. Allele origin: germline.